The following is an entry in ClinVar:

GRCh38/hg38 2q24.1-24.3(chr2:154366788-167048902)x3

Genes: ACVR1 (activin A receptor type 1; minus strand), ACVR1C (activin A receptor type 1C; minus strand), BAZ2B (bromodomain adjacent to zinc finger domain 2B; minus strand), BAZ2B-AS1 (BAZ2B antisense RNA 1; plus strand), CCDC148 (coiled-coil domain containing 148; minus strand) and 272 more. Cytogenetic location: 2q24.1-24.3.
Variant type: copy number gain.
Change: copy number 3 (three copies instead of two) of chr2:154,366,788-167,048,902 (12.68 Mb, GRCh38 coordinates, 1-based), cytogenetic band 2q24.1-24.3.
Identifiers: ClinVar variation 59150 (VCV000059150.1).

ClinVar aggregate classification (germline): Pathogenic (1 of 4 stars; one submission).

Submission:

ISCA site 15
Classification: Pathogenic. Last evaluated: 2011-08-12. Review status: criteria provided, single submitter. Criteria: Kaminsky et al. (Genet Med. 2011). Collection method: clinical testing. Allele origin: de novo. Affected: yes. Observed: 1 variant allele.
Comment: Copy number variation identified through the course of routine clinical cytogenomic testing in postnatal populations. Clinical assertions have been curated as described in Kaminsky et al. 2011.